The following is an entry in ClinVar:

NM_001080517.3(SETD5):c.1972A>C (p.Thr658Pro)

Gene: SETD5 (SET domain containing 5; plus strand). Cytogenetic location: 3p25.3.
Variant type: single nucleotide variant.
Coding change: c.1972A>C on transcript NM_001080517.3 (MANE Select); coding-DNA position 1972, A replaced by C.
Protein change: p.Thr658Pro; replaces threonine 658 with proline.
Molecular consequence: missense variant.
Genome position (GRCh38, 1-based): chr3:9,447,875, A>C. VCF-style: chr3-9447875-A-C. GRCh37 (hg19) VCF-style: chr3-9489559-A-C.
Other names: c.1678A>C, p.Thr560Pro (NM_001292043.2, NM_001349451.2); c.2068A>C, p.Thr690Pro (NM_001437633.1); c.2029A>C, p.Thr677Pro (NM_001437635.1); c.1972A>C, p.Thr658Pro (NM_001437643.1); c.2011A>C, p.Thr671Pro (NM_001437701.1); short protein forms T560P, T658P, T671P, T677P, T690P.
Identifiers: ClinVar variation 4975923 (VCV004975923.1).

ClinVar aggregate classification (germline): Uncertain significance (1 of 4 stars; one submission).

gnomAD v4.1: 1 of 1,613,928 alleles (0.000062%); highest among the groups gnomAD compares: African/African-American, 0.0013%; no homozygotes.

Submission:

GeneDx
Classification: Uncertain significance. Last evaluated: 2026-01-30. Review status: criteria provided, single submitter. Criteria: GeneDx Variant Classification Process June 2021. Collection method: clinical testing. Allele origin: germline.
Comment: Not observed at significant frequency in large population cohorts (gnomAD); In silico analysis suggests that this missense variant does not alter protein structure/function; Has not been previously published as pathogenic or benign to our knowledge